The following is an entry in ClinVar:

NM_001040108.2(MLH3):c.3840A>C (p.Lys1280Asn)

Gene: MLH3 (mutL homolog 3; minus strand). Cytogenetic location: 14q24.3.
Variant type: single nucleotide variant.
Coding change: c.3840A>C on transcript NM_001040108.2 (MANE Select); coding-DNA position 3840, A replaced by C.
Protein change: p.Lys1280Asn; replaces lysine 1280 with asparagine.
Molecular consequence: missense variant.
Genome position (GRCh38, 1-based): chr14:75,030,690, T>G on the plus strand (A>C on the coding strand, the complement: MLH3 is on the minus strand). VCF-style: chr14-75030690-T-G. GRCh37 (hg19) VCF-style: chr14-75497393-T-G.
Other names: c.3768A>C, p.Lys1256Asn (NM_014381.3); short protein forms K1256N, K1280N.
Identifiers: ClinVar variation 1389789 (VCV001389789.12), dbSNP rs918215098, ClinGen allele CA263638458.

ClinVar aggregate classification (germline): Uncertain significance. Review status: criteria provided, multiple submitters, no conflicts (2 of 4 stars). 3 submissions from 3 submitters: Uncertain significance (2). 1 of the submissions does not count toward it. Last evaluated 2025-01-24.

Conditions:
Colorectal cancer, hereditary nonpolyposis, type 7. Identifiers: Orphanet 144, MedGen C1858380, MONDO:0013725, OMIM 614385.
MLH3-related disorder. Also called: MLH3-related condition.

Allele frequency attached by ClinVar (database versions not stated): gnomAD exomes below 0.00001; TOPMed 0.00001.

Submissions (3):

Ambry Genetics
Classification: Uncertain significance. Last evaluated: 2025-01-24. Review status: criteria provided, single submitter. Criteria: Ambry Variant Classification Scheme 2023. Collection method: clinical testing. Allele origin: germline.
Comment: The p.K1280N variant (also known as c.3840A>C), located in coding exon 8 of the MLH3 gene, results from an A to C substitution at nucleotide position 3840. The lysine at codon 1280 is replaced by asparagine, an amino acid with similar properties. This amino acid position is conserved. In addition, this alteration is predicted to be tolerated by in silico analysis. Since supporting evidence is limited at this time, the clinical significance of this alteration remains unclear.

Labcorp Genetics (formerly Invitae), Labcorp
Classification: Uncertain significance for Colorectal cancer, hereditary nonpolyposis, type 7. Last evaluated: 2021-04-25. Review status: criteria provided, single submitter. Criteria: Invitae Variant Classification Sherloc (09022015). Collection method: clinical testing. Allele origin: germline.
Comment: In summary, the available evidence is currently insufficient to determine the role of this variant in disease. Therefore, it has been classified as a Variant of Uncertain Significance. Algorithms developed to predict the effect of missense changes on protein structure and function output the following: SIFT: "Tolerated"; PolyPhen-2: "Benign"; Align-GVGD: "Class C0". The asparagine amino acid residue is found in multiple mammalian species, suggesting that this missense change does not adversely affect protein function. These predictions have not been confirmed by published functional studies and their clinical significance is uncertain. This variant has not been reported in the literature in individuals with MLH3-related conditions. This variant is not present in population databases (ExAC no frequency). This sequence change replaces lysine with asparagine at codon 1280 of the MLH3 protein (p.Lys1280Asn). The lysine residue is moderately conserved and there is a moderate physicochemical difference between lysine and asparagine.

PreventionGenetics, part of Exact Sciences
Classification: Uncertain significance for MLH3-related condition. Last evaluated: 2024-06-08. Review status: no assertion criteria provided. Collection method: clinical testing. Allele origin: germline. Not counted in ClinVar's aggregate classification.
Comment: The MLH3 c.3840A>C variant is predicted to result in the amino acid substitution p.Lys1280Asn. To our knowledge, this variant has not been reported in the literature or in a large population database, indicating this variant is rare. In ClinVar, this variant has been listed as 'uncertain' by several outside laboratories. At this time, the clinical significance of this variant is uncertain due to the absence of conclusive functional and genetic evidence.